The following is an entry in ClinVar:

ClinVar aggregate classification (germline): Likely benign. Review status: criteria provided, multiple submitters, no conflicts (2 of 4 stars). 2 submissions from 2 submitters: Likely benign (2). Last evaluated 2025-10-01.

gnomAD v4.1: 7 of 1,613,414 alleles (0.00043%); highest among the groups gnomAD compares: Admixed American, 0.0033%; no homozygotes.

Submissions (2):

CeGaT Center for Human Genetics Tuebingen
Classification: Likely benign. Last evaluated: 2025-10-01. Review status: criteria provided, single submitter. Criteria: CeGaT Center For Human Genetics Tuebingen Variant Classification Criteria Version 2. Collection method: clinical testing. Allele origin: germline. Affected: yes. Observed: 1 variant allele.
Comment: CTR9: BP4, BP7

Labcorp Genetics (formerly Invitae), Labcorp
Classification: Likely benign. Last evaluated: 2025-09-02. Review status: criteria provided, single submitter. Criteria: Invitae Variant Classification Sherloc (09022015). Collection method: clinical testing. Allele origin: germline.

NM_014633.5(CTR9):c.159G>A (p.Lys53=)

Gene: CTR9 (CTR9 component of Paf1/RNA polymerase II complex; plus strand). Cytogenetic location: 11p15.4.
Variant type: single nucleotide variant.
Coding change: c.159G>A on transcript NM_014633.5 (MANE Select); coding-DNA position 159, G replaced by A.
Protein change: p.Lys53=; no amino-acid change (lysine 53 retained).
Molecular consequence: synonymous variant.
Genome position (GRCh38, 1-based): chr11:10,754,972, G>A. VCF-style: chr11-10754972-G-A. GRCh37 (hg19) VCF-style: chr11-10776519-G-A.
Other names: c.159G>A, p.Lys53= (NM_001346279.2).
Identifiers: ClinVar variation 4534531 (VCV004534531.7).